The following is an entry in ClinVar:

ClinVar aggregate classification (germline): Uncertain significance. Review status: criteria provided, single submitter (1 of 4 stars). 2 submissions from 2 submitters: Uncertain significance (1). 1 of the submissions does not count toward it. Last evaluated 2025-02-07.

Conditions:
Familial thoracic aortic aneurysm and aortic dissection (TAAD). Also called: Thoracic aortic aneurysms and dissections. Identifiers: Orphanet 91387, MedGen C4707243, MONDO:0019625.
FBN2-related disorder. Also called: FBN2-related condition.

Allele frequency attached by ClinVar (database versions not stated): TOPMed below 0.00001.

Submissions (2):

Ambry Genetics
Classification: Uncertain significance for Familial thoracic aortic aneurysm and aortic dissection. Last evaluated: 2025-02-07. Review status: criteria provided, single submitter. Criteria: Ambry Variant Classification Scheme 2023. Collection method: clinical testing. Allele origin: germline.
Comment: The p.A604T variant (also known as c.1810G>A), located in coding exon 13 of the FBN2 gene, results from a G to A substitution at nucleotide position 1810. The alanine at codon 604 is replaced by threonine, an amino acid with similar properties. This amino acid position is highly conserved in available vertebrate species. In addition, the in silico prediction for this alteration is inconclusive. Based on the available evidence, the clinical significance of this variant remains unclear.

PreventionGenetics, part of Exact Sciences
Classification: Uncertain significance for FBN2-related condition. Last evaluated: 2024-02-08. Review status: no assertion criteria provided. Collection method: clinical testing. Allele origin: germline. Not counted in ClinVar's aggregate classification.
Comment: The FBN2 c.1810G>A variant is predicted to result in the amino acid substitution p.Ala604Thr. To our knowledge, this variant has not been reported in the literature or in a large population database, indicating this variant is rare. At this time, the clinical significance of this variant is uncertain due to the absence of conclusive functional and genetic evidence.

NM_001999.4(FBN2):c.1810G>A (p.Ala604Thr)

Gene: FBN2 (fibrillin 2; minus strand). Cytogenetic location: 5q23.3.
Variant type: single nucleotide variant.
Coding change: c.1810G>A on transcript NM_001999.4 (MANE Select); coding-DNA position 1810, G replaced by A.
Protein change: p.Ala604Thr; replaces alanine 604 with threonine.
Molecular consequence: missense variant.
Genome position (GRCh38, 1-based): chr5:128,377,791, C>T on the plus strand (G>A on the coding strand, the complement: FBN2 is on the minus strand). VCF-style: chr5-128377791-C-T. GRCh37 (hg19) VCF-style: chr5-127713484-C-T.
Other names: short protein forms A604T.
Identifiers: ClinVar variation 3030903 (VCV003030903.3), dbSNP rs1752119593, ClinGen allele CA360742483.